The following is an entry in ClinVar:

ClinVar aggregate classification (germline): Uncertain significance (1 of 4 stars; one submission).

Conditions:
Amyotrophic lateral sclerosis type 1 (ALS1). Also called: AMYOTROPHIC LATERAL SCLEROSIS 1, FAMILIAL. Identifiers: Orphanet 803, MedGen C1862939, MONDO:0007103, OMIM 105400.
Perry syndrome. Also called: PARKINSONISM WITH ALVEOLAR HYPOVENTILATION AND MENTAL DEPRESSION. Identifiers: Orphanet 178509, MedGen C1868594, MONDO:0008201, OMIM 168605.
Neuronopathy, distal hereditary motor, type 7B. Also called: Distal Hereditary Motor Neuronopathy Type 7B (dHMN7B); NEURONOPATHY, DISTAL HEREDITARY MOTOR, AUTOSOMAL DOMINANT 14; NEURONOPATHY, DISTAL HEREDITARY MOTOR, HARDING TYPE VIIB; NEUROPATHY, DISTAL HEREDITARY MOTOR, HARDING TYPE VIIB; NEUROPATHY, DISTAL HEREDITARY MOTOR, WITH VOCAL CORD PARALYSIS, HARDING TYPE VIIB; HMN VIIB. Identifiers: Orphanet 139589, MedGen C1843315, MONDO:0011879, OMIM 607641.

Submission:

Labcorp Genetics (formerly Invitae), Labcorp
Classification: Uncertain significance for Amyotrophic lateral sclerosis type 1; Neuronopathy, distal hereditary motor, type 7B; Perry syndrome. Last evaluated: 2025-10-02. Review status: criteria provided, single submitter. Criteria: Invitae Variant Classification Sherloc (09022015). Collection method: clinical testing. Allele origin: germline.
Comment: This sequence change replaces histidine, which is basic and polar, with asparagine, which is neutral and polar, at codon 584 of the DCTN1 protein (p.His584Asn). This variant is not present in population databases (gnomAD no frequency). This variant has not been reported in the literature in individuals affected with DCTN1-related conditions. ClinVar contains an entry for this variant (Variation ID: 1383783). Invitae Evidence Modeling of protein sequence and biophysical properties (such as structural, functional, and spatial information, amino acid conservation, physicochemical variation, residue mobility, and thermodynamic stability) indicates that this missense variant is not expected to disrupt DCTN1 protein function with a negative predictive value of 95%. In summary, the available evidence is currently insufficient to determine the role of this variant in disease. Therefore, it has been classified as a Variant of Uncertain Significance.

NM_004082.5(DCTN1):c.1750C>A (p.His584Asn)

Gene: DCTN1 (dynactin subunit 1; minus strand). Cytogenetic location: 2p13.1.
Variant type: single nucleotide variant.
Coding change: c.1750C>A on transcript NM_004082.5 (MANE Select); coding-DNA position 1750, C replaced by A.
Protein change: p.His584Asn; replaces histidine 584 with asparagine.
Molecular consequence: missense variant. On other transcripts: non-coding transcript variant (1).
Genome position (GRCh38, 1-based): chr2:74,368,832, G>T on the plus strand (C>A on the coding strand, the complement: DCTN1 is on the minus strand). VCF-style: chr2-74368832-G-T. GRCh37 (hg19) VCF-style: chr2-74595959-G-T.
Other names: c.1690C>A, p.His564Asn (NM_001135040.3); c.1348C>A, p.His450Asn (NM_001135041.3, NM_023019.4); c.1639C>A, p.His547Asn (NM_001190836.2); c.1729C>A, p.His577Asn (NM_001190837.2); c.1699C>A, p.His567Asn (NM_001378991.1); c.1681C>A, p.His561Asn (NM_001378992.1); short protein forms H450N, H564N, H547N, H561N, H577N, H584N, H567N.
Identifiers: ClinVar variation 1383783 (VCV001383783.6), dbSNP rs2103640754, ClinGen allele CA347355821.